The following is an entry in ClinVar:

ClinVar aggregate classification (germline): Pathogenic (1 of 4 stars; one submission).

Conditions:
Neurofibromatosis, type 1 (NF1). Also called: VON RECKLINGHAUSEN DISEASE; Peripheral type neurofibromatosis; NEUROFIBROMATOSIS, TYPE I, SOMATIC; Neurofibromatosis, type I. Identifiers: Orphanet 636, MedGen C0027831, MONDO:0018975, OMIM 162200. Disease mechanism: loss of function.

Submission:

Labcorp Genetics (formerly Invitae), Labcorp
Classification: Pathogenic for Neurofibromatosis, type 1. Last evaluated: 2025-03-21. Review status: criteria provided, single submitter. Criteria: Invitae Variant Classification Sherloc (09022015). Collection method: clinical testing. Allele origin: germline.
Comment: This sequence change creates a premature translational stop signal (p.Cys1796*) in the NF1 gene. It is expected to result in an absent or disrupted protein product. Loss-of-function variants in NF1 are known to be pathogenic (PMID: 10712197, 23913538). This variant is not present in population databases (gnomAD no frequency). This premature translational stop signal has been observed in individual(s) with neurofibromatosis type I (PMID: 19292874). For these reasons, this variant has been classified as Pathogenic.

Literature cited by the submitters: PubMed 10712197; PubMed 23913538; PubMed 19292874.

NM_001042492.3(NF1):c.5451T>A (p.Cys1817Ter)

Gene: NF1 (neurofibromin 1; plus strand). Cytogenetic location: 17q11.2.
Variant type: single nucleotide variant.
Coding change: c.5451T>A on transcript NM_001042492.3 (MANE Select); coding-DNA position 5451, T replaced by A.
Protein change: p.Cys1817Ter; replaces cysteine 1817 with a stop codon.
Molecular consequence: nonsense.
Genome position (GRCh38, 1-based): chr17:31,327,681, T>A. VCF-style: chr17-31327681-T-A. GRCh37 (hg19) VCF-style: chr17-29654699-T-A.
Other names: c.5388T>A, p.Cys1796Ter (NM_000267.4); short protein forms C1796*, C1817*.
Identifiers: ClinVar variation 4710362 (VCV004710362.1).
Genomic context (GRCh38, chr17:31,327,681, plus strand): 5'-CCAGTTCACCTTAACCATTGCAAACCAGGGCACGCCGCTCACCTTCATGCACCAGGAGTG[T>A]GAAGCCATTGTCCAGTCTATCATTCATATCCGGACCCGCTGGGAACTGTCACAGCCCGAC-3'